The following is an entry in ClinVar:

NM_005654.6(NR2F1):c.239G>T (p.Ser80Ile)

Genes: NR2F1 (nuclear receptor subfamily 2 group F member 1; plus strand), NR2F1-AS1 (NR2F1 regulatory antisense RNA 1; minus strand). Cytogenetic location: 5q15.
Variant type: single nucleotide variant.
Coding change: c.239G>T on transcript NM_005654.6 (MANE Select); coding-DNA position 239, G replaced by T.
Protein change: p.Ser80Ile; replaces serine 80 with isoleucine.
Molecular consequence: missense variant.
Genome position (GRCh38, 1-based): chr5:93,585,262, G>T. VCF-style: chr5-93585262-G-T. GRCh37 (hg19) VCF-style: chr5-92920968-G-T.
Other names: c.239G>T (NM_005654.4); short protein forms S80I.
Identifiers: ClinVar variation 624055 (VCV000624055.44), dbSNP rs1561523678, ClinGen allele CA360525819.
Genomic context (GRCh38, chr5:93,585,262, plus strand): 5'-CGCCCGCCACCCCCGGCACGGCGGGGGACAAGGGCCAGGGCCCGCCCGGTTCGGGCCAGA[G>T]CCAGCAGCACATCGAGTGCGTGGTGTGCGGGGACAAGTCGAGCGGCAAGCACTACGGCCA-3'
Protein context (NP_005645.1, residues 70-90): KGQGPPGSGQ[Ser80Ile]QQHIECVVCG

ClinVar aggregate classification (germline): Conflicting classifications of pathogenicity. Review status: criteria provided, conflicting classifications (1 of 4 stars). 2 submissions from 2 submitters: Likely pathogenic (1); Uncertain significance (1). Last evaluated 2024-10-20.

Submissions (2):

GeneDx
Classification: Uncertain significance. Last evaluated: 2024-10-20. Review status: criteria provided, single submitter. Criteria: GeneDx Variant Classification Process June 2021. Collection method: clinical testing. Allele origin: germline. Affected: yes.
Comment: Not observed at significant frequency in large population cohorts (gnomAD); In silico analysis indicates that this missense variant does not alter protein structure/function; Has not been previously published as pathogenic or benign to our knowledge

CeGaT Center for Human Genetics Tuebingen
Classification: Likely pathogenic. Last evaluated: 2018-07-01. Review status: criteria provided, single submitter. Criteria: CeGaT Center For Human Genetics Tuebingen Variant Classification Criteria Version 2. Collection method: clinical testing. Allele origin: germline. Affected: yes. Observed: 3 variant alleles.